The following is an entry in ClinVar:

NM_031885.5(BBS2):c.2056C>T (p.Arg686Trp)

Gene: BBS2 (Bardet-Biedl syndrome 2; minus strand). Cytogenetic location: 16q13.
Variant type: single nucleotide variant.
Coding change: c.2056C>T on transcript NM_031885.5 (MANE Select); coding-DNA position 2056, C replaced by T.
Protein change: p.Arg686Trp; replaces arginine 686 with tryptophan.
Molecular consequence: missense variant. On other transcripts: non-coding transcript variant (5).
Genome position (GRCh38, 1-based): chr16:56,485,593, G>A on the plus strand (C>T on the coding strand, the complement: BBS2 is on the minus strand). VCF-style: chr16-56485593-G-A. GRCh37 (hg19) VCF-style: chr16-56519505-G-A.
Other names: c.2056C>T, p.Arg686Trp (NM_001377456.1); short protein forms R686W.
Identifiers: ClinVar variation 956721 (VCV000956721.9), dbSNP rs372135700, ClinGen allele CA8065551.

ClinVar aggregate classification (germline): Uncertain significance. Review status: criteria provided, multiple submitters, no conflicts (2 of 4 stars). 5 submissions from 5 submitters: Uncertain significance (4). 1 of the submissions does not count toward it. Last evaluated 2026-05-06.

Conditions:
Bardet-Biedl syndrome 2 (BBS2). Identifiers: Orphanet 110, MedGen C2936863, MONDO:0014432, OMIM 615981.
Retinitis pigmentosa 74 (RP74). Identifiers: Orphanet 791, MedGen C4225281, MONDO:0014692, OMIM 616562.
BBS2-related disorder. Also called: BBS2-related disorders; BBS2-related condition. Identifiers: MedGen CN239228.
Bardet-Biedl syndrome (BBS). Identifiers: Orphanet 110, MedGen C0752166, MONDO:0015229.

Allele frequency attached by ClinVar (database versions not stated): gnomAD exomes 0.00003; TOPMed 0.00003; gnomAD 0.00004; ESP Exome Variant Server 0.00008; ExAC 0.00003.
gnomAD v4.1: 47 of 1,613,918 alleles (0.0029%); highest among the groups gnomAD compares: African/African-American, 0.011%; no homozygotes.

Submissions (5):

PreventionGenetics, part of Exact Sciences
Classification: Uncertain significance for BBS2-related condition. Last evaluated: 2026-05-06. Review status: criteria provided, single submitter. Criteria: ACMG Guidelines, 2015. Collection method: clinical testing. Allele origin: germline.
Comment: The BBS2 c.2056C>T variant is predicted to result in the amino acid substitution p.Arg686Trp. To our knowledge, this variant has not been reported in the literature. This variant is reported in 0.012% of alleles in individuals of African descent in gnomAD. At this time, the clinical significance of this variant is uncertain due to the absence of conclusive functional and genetic evidence.

Blueprint Genetics
Classification: Uncertain significance. Last evaluated: 2024-07-10. Review status: criteria provided, single submitter. Criteria: ACMG Guidelines, 2015. Collection method: clinical testing. Allele origin: germline.

Labcorp Genetics (formerly Invitae), Labcorp
Classification: Uncertain significance for Bardet-Biedl syndrome. Last evaluated: 2024-04-02. Review status: criteria provided, single submitter. Criteria: Invitae Variant Classification Sherloc (09022015). Collection method: clinical testing. Allele origin: germline.
Comment: This sequence change replaces arginine, which is basic and polar, with tryptophan, which is neutral and slightly polar, at codon 686 of the BBS2 protein (p.Arg686Trp). This variant is present in population databases (rs372135700, gnomAD 0.01%). This variant has not been reported in the literature in individuals affected with BBS2-related conditions. ClinVar contains an entry for this variant (Variation ID: 956721). Advanced modeling of protein sequence and biophysical properties (such as structural, functional, and spatial information, amino acid conservation, physicochemical variation, residue mobility, and thermodynamic stability) performed at Invitae indicates that this missense variant is expected to disrupt BBS2 protein function with a positive predictive value of 80%. In summary, the available evidence is currently insufficient to determine the role of this variant in disease. Therefore, it has been classified as a Variant of Uncertain Significance.

Fulgent Genetics
Classification: Uncertain significance for Bardet-Biedl syndrome 2; Retinitis pigmentosa 74. Last evaluated: 2022-02-12. Review status: criteria provided, single submitter. Criteria: ACMG Guidelines, 2015. Collection method: clinical testing. Allele origin: unknown.

Natera, Inc.
Classification: Uncertain significance for Bardet-Biedl syndrome type 2. Last evaluated: 2021-08-23. Review status: no assertion criteria provided. Collection method: clinical testing. Allele origin: germline. Not counted in ClinVar's aggregate classification.